The following is an entry in ClinVar:

NM_133372.3(FNIP1):c.1268C>T (p.Ser423Leu)

Gene: FNIP1 (folliculin interacting protein 1; minus strand). Cytogenetic location: 5q31.1.
Variant type: single nucleotide variant.
Coding change: c.1268C>T on transcript NM_133372.3 (MANE Select); coding-DNA position 1268, C replaced by T.
Protein change: p.Ser423Leu; replaces serine 423 with leucine.
Molecular consequence: missense variant.
Genome position (GRCh38, 1-based): chr5:131,679,110, G>A on the plus strand (C>T on the coding strand, the complement: FNIP1 is on the minus strand). VCF-style: chr5-131679110-G-A. GRCh37 (hg19) VCF-style: chr5-131014803-G-A.
Other names: c.1184C>T, p.Ser395Leu (NM_001008738.3); c.1268C>T, p.Ser423Leu (NM_001346113.2); c.1133C>T, p.Ser378Leu (NM_001346114.2); short protein forms S378L, S395L, S423L.
Identifiers: ClinVar variation 2415287 (VCV002415287.5), dbSNP rs756893842, ClinGen allele CA3400710.

ClinVar aggregate classification (germline): Uncertain significance (1 of 4 stars; one submission).

Allele frequency attached by ClinVar (database versions not stated): ExAC 0.00001; gnomAD 0.00001; TOPMed 0.00003.
gnomAD v4.1: 25 of 1,606,670 alleles (0.0016%); highest among the groups gnomAD compares: South Asian, 0.0033%; no homozygotes.

Submission:

Labcorp Genetics (formerly Invitae), Labcorp
Classification: Uncertain significance. Last evaluated: 2023-12-11. Review status: criteria provided, single submitter. Criteria: Invitae Variant Classification Sherloc (09022015). Collection method: clinical testing. Allele origin: germline.
Comment: This sequence change replaces serine, which is neutral and polar, with leucine, which is neutral and non-polar, at codon 423 of the FNIP1 protein (p.Ser423Leu). This variant is present in population databases (rs756893842, gnomAD 0.007%). This variant has not been reported in the literature in individuals affected with FNIP1-related conditions. ClinVar contains an entry for this variant (Variation ID: 2415287). An algorithm developed to predict the effect of missense changes on protein structure and function (PolyPhen-2) suggests that this variant is likely to be disruptive. In summary, the available evidence is currently insufficient to determine the role of this variant in disease. Therefore, it has been classified as a Variant of Uncertain Significance.